The following is an entry in ClinVar:

NM_004562.3(PRKN):c.848T>C (p.Leu283Pro)

Gene: PRKN (parkin RBR E3 ubiquitin protein ligase; minus strand). Cytogenetic location: 6q26.
Variant type: single nucleotide variant.
Coding change: c.848T>C on transcript NM_004562.3 (MANE Select); coding-DNA position 848, T replaced by C.
Protein change: p.Leu283Pro; replaces leucine 283 with proline.
Molecular consequence: missense variant.
Genome position (GRCh38, 1-based): chr6:161,785,795, A>G on the plus strand (T>C on the coding strand, the complement: PRKN is on the minus strand). VCF-style: chr6-161785795-A-G. GRCh37 (hg19) VCF-style: chr6-162206827-A-G.
Other names: c.764T>C, p.Leu255Pro (NM_013987.3); c.401T>C, p.Leu134Pro (NM_013988.3); c.848T>C (NM_004562.2); short protein forms L134P, L255P, L283P.
Identifiers: ClinVar variation 1025727 (VCV001025727.40), dbSNP rs56154308, ClinGen allele CA4090203.

ClinVar aggregate classification (germline): Uncertain significance. Review status: criteria provided, multiple submitters, no conflicts (2 of 4 stars). 3 submissions from 3 submitters: Uncertain significance (3). Last evaluated 2025-01-18.

Conditions:
Inborn genetic diseases. Identifiers: MedGen C0950123, MeSH D030342.

Allele frequency attached by ClinVar (database versions not stated): gnomAD exomes 0.00002 and 0.00004; TOPMed 0.00002; ExAC 0.00003; gnomAD 0.00003.
gnomAD v4.1: 34 of 1,614,006 alleles (0.0021%); highest among the groups gnomAD compares: Non-Finnish European, 0.0029%; no homozygotes.

Submissions (3):

Ambry Genetics
Classification: Uncertain significance for Inborn genetic diseases. Last evaluated: 2025-01-18. Review status: criteria provided, single submitter. Criteria: Ambry Variant Classification Scheme 2023. Collection method: clinical testing. Allele origin: germline.

Labcorp Genetics (formerly Invitae), Labcorp
Classification: Uncertain significance. Last evaluated: 2021-09-02. Review status: criteria provided, single submitter. Criteria: Invitae Variant Classification Sherloc (09022015). Collection method: clinical testing. Allele origin: germline.
Comment: This sequence change replaces leucine with proline at codon 283 of the PRKN protein (p.Leu283Pro). The leucine residue is moderately conserved and there is a moderate physicochemical difference between leucine and proline. This variant is present in population databases (rs56154308, ExAC 0.006%). This missense change has been observed in individual(s) with Parkinson disease (PMID: 18973254). Algorithms developed to predict the effect of missense changes on protein structure and function are either unavailable or do not agree on the potential impact of this missense change (SIFT: "Deleterious"; PolyPhen-2: "Possibly Damaging"; Align-GVGD: "Class C0"). In summary, the available evidence is currently insufficient to determine the role of this variant in disease. Therefore, it has been classified as a Variant of Uncertain Significance.

CeGaT Center for Human Genetics Tuebingen
Classification: Uncertain significance. Last evaluated: 2021-06-01. Review status: criteria provided, single submitter. Criteria: CeGaT Center For Human Genetics Tuebingen Variant Classification Criteria Version 2. Collection method: clinical testing. Allele origin: germline. Affected: yes. Observed: 1 variant allele.

Literature cited by the submitters: PubMed 18973254 (cited by Labcorp Genetics (formerly Invitae), Labcorp).